The following is an entry in ClinVar:

NM_002691.4(POLD1):c.813del (p.Lys272fs)

Gene: POLD1 (DNA polymerase delta 1, catalytic subunit; plus strand). Cytogenetic location: 19q13.33.
Variant type: Deletion.
Coding change: c.813del on transcript NM_002691.4 (MANE Select); coding-DNA position 813, one base deleted (G; older notation c.813delG).
Protein change: p.Lys272fs; shifts the reading frame from lysine 272.
Molecular consequence: frameshift variant. On other transcripts: non-coding transcript variant (1).
Genome position (GRCh38, 1-based): chr19:50,402,508, G deleted; the last of 3 consecutive G bases (chr19:50,402,506-50,402,508); deleting any one gives the same sequence. VCF-style (leftmost placement, unchanged base first): chr19-50402505-TG-T. GRCh37 (hg19) VCF-style: chr19-50905762-TG-T.
Other names: c.813del, p.Lys272fs (NM_001256849.1, NM_001308632.1); short protein forms K272fs.
Identifiers: ClinVar variation 2030371 (VCV002030371.5), dbSNP rs2513966406, ClinGen allele CA2580097677.

ClinVar aggregate classification (germline): Uncertain significance. Review status: criteria provided, multiple submitters, no conflicts (2 of 4 stars). 2 submissions from 2 submitters: Uncertain significance (2). Last evaluated 2023-02-15.

Conditions:
POLD1-related polyposis and colorectal cancer syndrome (CRCS10). Also called: Colorectal cancer 10; COLORECTAL CANCER, SUSCEPTIBILITY TO, ON CHROMOSOME 19q; Colorectal cancer, susceptibility to, 10. Identifiers: Orphanet 220460, MedGen C2675481, MONDO:0012953, OMIM 612591.

Submissions (2):

Blueprint Genetics
Classification: Uncertain significance. Last evaluated: 2023-02-15. Review status: criteria provided, single submitter. Criteria: ACMG Guidelines, 2015. Collection method: clinical testing. Allele origin: germline.

Labcorp Genetics (formerly Invitae), Labcorp
Classification: Uncertain significance for POLD1-related polyposis and colorectal cancer syndrome. Last evaluated: 2022-09-14. Review status: criteria provided, single submitter. Criteria: Invitae Variant Classification Sherloc (09022015). Collection method: clinical testing. Allele origin: germline.
Comment: This sequence change creates a premature translational stop signal (p.Lys272Asnfs*4) in the POLD1 gene. Missense variants that disrupt the 3'-5' exonuclease (proof-reading) activity of the POLD1 protein are associated with PPAP (polymerase proofreading–associated polyposis) (PMID: 23263490, 23447401). However, loss-of-function variants that result in an absent or severely disrupted POLD1 protein, and missense variants outside the exonuclease domain, are unlikely to be associated with PPAP. This variant is not present in population databases (gnomAD no frequency). This variant has not been reported in the literature in individuals affected with POLD1-related conditions. In summary, the available evidence is currently insufficient to determine the role of this variant in disease. Therefore, it has been classified as a Variant of Uncertain Significance.

Literature cited by the submitters: PubMed 23263490 (cited by Labcorp Genetics (formerly Invitae), Labcorp); PubMed 23447401 (cited by Labcorp Genetics (formerly Invitae), Labcorp).